The following is an entry in ClinVar:

NM_005477.3(HCN4):c.315C>A (p.Ser105Arg)

Gene: HCN4 (hyperpolarization activated cyclic nucleotide gated potassium channel 4; minus strand). Cytogenetic location: 15q24.1.
Variant type: single nucleotide variant.
Coding change: c.315C>A on transcript NM_005477.3 (MANE Select); coding-DNA position 315, C replaced by A.
Protein change: p.Ser105Arg; replaces serine 105 with arginine.
Molecular consequence: missense variant.
Genome position (GRCh38, 1-based): chr15:73,367,956, G>T on the plus strand (C>A on the coding strand, the complement: HCN4 is on the minus strand). VCF-style: chr15-73367956-G-T. GRCh37 (hg19) VCF-style: chr15-73660297-G-T.
Other names: short protein forms S105R.
Identifiers: ClinVar variation 1728268 (VCV001728268.2), dbSNP rs747241045, ClinGen allele CA393098402.

ClinVar aggregate classification (germline): Uncertain significance (1 of 4 stars; one submission).

Conditions:
Cardiovascular phenotype. Identifiers: MedGen CN230736.

Submission:

Ambry Genetics
Classification: Uncertain significance for Cardiovascular phenotype. Last evaluated: 2020-11-20. Review status: criteria provided, single submitter. Criteria: Ambry Variant Classification Scheme 2023. Collection method: clinical testing. Allele origin: germline.
Comment: The p.S105R variant (also known as c.315C>A), located in coding exon 1 of the HCN4 gene, results from a C to A substitution at nucleotide position 315. The serine at codon 105 is replaced by arginine, an amino acid with dissimilar properties. This missense alteration is located in a region that has a low rate of benign missense variation (Lek M et al. Nature. 2016 Aug 18;536(7616):285-91; DECIPHER: Database of Chromosomal Imbalance and Phenotype in Humans using Ensembl Resources. Firth H.V. et al. 2009. Am.J.Hum.Genet. 84, 524-533 (DOI)). This amino acid position is not well conserved in available vertebrate species. In addition, the in silico prediction for this alteration is inconclusive. Since supporting evidence is limited at this time, the clinical significance of this alteration remains unclear.